The following is an entry in ClinVar:

NM_001081.4(CUBN):c.8020C>T (p.Arg2674Cys)

Gene: CUBN (cubilin; minus strand). Cytogenetic location: 10p13.
Variant type: single nucleotide variant.
Coding change: c.8020C>T on transcript NM_001081.4 (MANE Select); coding-DNA position 8020, C replaced by T.
Protein change: p.Arg2674Cys; replaces arginine 2674 with cysteine.
Molecular consequence: missense variant.
Genome position (GRCh38, 1-based): chr10:16,904,008, G>A on the plus strand (C>T on the coding strand, the complement: CUBN is on the minus strand). VCF-style: chr10-16904008-G-A. GRCh37 (hg19) VCF-style: chr10-16946007-G-A.
Other names: short protein forms R2674C.
Identifiers: ClinVar variation 2039255 (VCV002039255.2), dbSNP rs370911149, ClinGen allele CA5423169.

ClinVar aggregate classification (germline): Uncertain significance. Review status: criteria provided, multiple submitters, no conflicts (2 of 4 stars). 2 submissions from 2 submitters: Uncertain significance (2). Last evaluated 2024-05-30.

Conditions:
Imerslund-Grasbeck syndrome type 1 (IGS1). Also called: Imerslund-Gräsbeck syndrome 1; Megaloblastic anemia 1, Finnish type; MEGALOBLASTIC ANEMIA, 1. Identifiers: MedGen C4016819, MONDO:0100156, OMIM 261100.
Proteinuria, chronic benign. Identifiers: MedGen C5394384, MONDO:0030042, OMIM 618884.
Imerslund-Grasbeck syndrome. Also called: ENTEROCYTE COBALAMIN MALABSORPTION; ENTEROCYTE INTRINSIC FACTOR RECEPTOR, DEFECT OF; PERNICIOUS ANEMIA, JUVENILE, DUE TO SELECTIVE INTESTINAL MALABSORPTION OF VITAMIN B12, WITH PROTEINURIA; Imerslund-Gräsbeck syndrome; Megaloblastic anemia due to inborn errors of metabolism. Identifiers: Orphanet 35858, MedGen C4551825, MONDO:0009853.

Allele frequency attached by ClinVar (database versions not stated): ESP Exome Variant Server 0.00015; gnomAD 0.00013; ExAC 0.00005; TOPMed 0.00014.
gnomAD v4.1: 57 of 1,612,964 alleles (0.0035%); highest among the groups gnomAD compares: African/African-American, 0.043%; no homozygotes.

Submissions (2):

Fulgent Genetics
Classification: Uncertain significance for Imerslund-Grasbeck syndrome type 1; Proteinuria, chronic benign. Last evaluated: 2024-05-30. Review status: criteria provided, single submitter. Criteria: ACMG Guidelines, 2015. Collection method: clinical testing. Allele origin: germline.

Labcorp Genetics (formerly Invitae), Labcorp
Classification: Uncertain significance for Imerslund-Grasbeck syndrome. Last evaluated: 2022-06-24. Review status: criteria provided, single submitter. Criteria: Invitae Variant Classification Sherloc (09022015). Collection method: clinical testing. Allele origin: germline.
Comment: This sequence change replaces arginine, which is basic and polar, with cysteine, which is neutral and slightly polar, at codon 2674 of the CUBN protein (p.Arg2674Cys). This variant is present in population databases (rs370911149, gnomAD 0.01%). This variant has not been reported in the literature in individuals affected with CUBN-related conditions. Algorithms developed to predict the effect of missense changes on protein structure and function are either unavailable or do not agree on the potential impact of this missense change (SIFT: "Deleterious"; PolyPhen-2: "Probably Damaging"; Align-GVGD: "Class C15"). In summary, the available evidence is currently insufficient to determine the role of this variant in disease. Therefore, it has been classified as a Variant of Uncertain Significance.